The following is an entry in ClinVar:

ClinVar aggregate classification (germline): Conflicting classifications of pathogenicity. Review status: criteria provided, conflicting classifications (1 of 4 stars). 6 submissions from 4 submitters: Uncertain significance (3); Likely benign (2). 1 of the submissions does not count toward it. Last evaluated 2024-10-22.

Conditions:
Familial Mediterranean fever (FMF). Also called: POLYSEROSITIS, FAMILIAL PAROXYSMAL; POLYSEROSITIS, RECURRENT; Periodic peritonitis; Benign paroxysmal peritonitis. Identifiers: Orphanet 342, MedGen C0031069, MONDO:0018088, OMIM 249100. Disease mechanism: gain of function.
Familial Mediterranean fever, autosomal dominant. Also called: FMF, AUTOSOMAL DOMINANT; Dominant Familial Mediterranean Fever. Identifiers: Orphanet 342, MedGen C1851347, MONDO:0007601, OMIM 134610.
Acute febrile neutrophilic dermatosis (AFND). Also called: Sweet Syndrome; Gomm Button disease. Identifiers: Orphanet 3243, MedGen C0085077, MONDO:0011959, OMIM 608068.

Allele frequency attached by ClinVar (database versions not stated): gnomAD 0.00001 and 0.00002; TOPMed 0.00001; 1000 Genomes Project 30x 0.00016; 1000 Genomes Project 0.00020; gnomAD exomes below 0.00001; ExAC 0.00001.
gnomAD v4.1: 8 of 1,614,132 alleles (0.0005%); highest among the groups gnomAD compares: Admixed American, 0.01%; no homozygotes.

Submissions (6):

Labcorp Genetics (formerly Invitae), Labcorp
Classification: Uncertain significance for Familial Mediterranean fever. Last evaluated: 2024-10-22. Review status: criteria provided, single submitter. Criteria: Invitae Variant Classification Sherloc (09022015). Collection method: clinical testing. Allele origin: germline.
Comment: This sequence change replaces tryptophan, which is neutral and slightly polar, with arginine, which is basic and polar, at codon 689 of the MEFV protein (p.Trp689Arg). This variant is present in population databases (rs566082564, gnomAD 0.003%). This variant has not been reported in the literature in individuals affected with MEFV-related conditions. ClinVar contains an entry for this variant (Variation ID: 859245). An algorithm developed to predict the effect of missense changes on protein structure and function (PolyPhen-2) suggests that this variant is likely to be disruptive. In summary, the available evidence is currently insufficient to determine the role of this variant in disease. Therefore, it has been classified as a Variant of Uncertain Significance.

Genome-Nilou Lab
Classification: Uncertain significance for Familial Mediterranean fever. Last evaluated: 2023-02-08. Review status: criteria provided, single submitter. Criteria: ACMG Guidelines, 2015. Collection method: clinical testing. Allele origin: germline.

Genome-Nilou Lab
Classification: Likely benign for Familial Mediterranean fever, autosomal dominant. Last evaluated: 2023-02-08. Review status: criteria provided, single submitter. Criteria: ACMG Guidelines, 2015. Collection method: clinical testing. Allele origin: germline.

Genome-Nilou Lab
Classification: Likely benign for Acute febrile neutrophilic dermatosis. Last evaluated: 2023-02-08. Review status: criteria provided, single submitter. Criteria: ACMG Guidelines, 2015. Collection method: clinical testing. Allele origin: germline.

Fulgent Genetics
Classification: Uncertain significance for Familial Mediterranean fever, autosomal dominant; Familial Mediterranean fever; Acute febrile neutrophilic dermatosis. Last evaluated: 2021-12-26. Review status: criteria provided, single submitter. Criteria: ACMG Guidelines, 2015. Collection method: clinical testing. Allele origin: unknown.

Natera, Inc.
Classification: Uncertain significance for Familial Mediterranean fever. Last evaluated: 2021-03-16. Review status: no assertion criteria provided. Collection method: clinical testing. Allele origin: germline. Not counted in ClinVar's aggregate classification.

NM_000243.3(MEFV):c.2065T>C (p.Trp689Arg)

Genes: MEFV (MEFV innate immunity regulator, pyrin; minus strand), LOC126862264 (CDK7 strongly-dependent group 2 enhancer GRCh37_chr16:3293322-3294521; plus strand). Cytogenetic location: 16p13.3.
Variant type: single nucleotide variant.
Coding change: c.2065T>C on transcript NM_000243.3 (MANE Select); coding-DNA position 2065, T replaced by C.
Protein change: p.Trp689Arg; replaces tryptophan 689 with arginine.
Molecular consequence: missense variant. On other transcripts: 3 prime UTR variant (1).
Genome position (GRCh38, 1-based): chr16:3,243,422, A>G on the plus strand (T>C on the coding strand, the complement: MEFV is on the minus strand). VCF-style: chr16-3243422-A-G. GRCh37 (hg19) VCF-style: chr16-3293422-A-G.
Other names: c.*269T>C (NM_001198536.2); short protein forms W689R.
Identifiers: ClinVar variation 859245 (VCV000859245.12), dbSNP rs566082564, ClinGen allele CA7859880.